The following is an entry in ClinVar:

ClinVar aggregate classification (germline): Likely benign. Review status: criteria provided, multiple submitters, no conflicts (2 of 4 stars). 4 submissions from 4 submitters: Likely benign (3). 1 of the submissions does not count toward it. Last evaluated 2026-01-25.

Conditions:
Bardet-Biedl syndrome (BBS). Identifiers: Orphanet 110, MedGen C0752166, MONDO:0015229.
Bardet-Biedl syndrome 12 (BBS12). Identifiers: Orphanet 110, MedGen C1859570, MONDO:0014440, OMIM 615989.

Allele frequency attached by ClinVar (database versions not stated): TOPMed 0.00002.
gnomAD v4.1: 23 of 1,614,082 alleles (0.0014%); highest among the groups gnomAD compares: Admixed American, 0.038%; no homozygotes.

Submissions (4):

Labcorp Genetics (formerly Invitae), Labcorp
Classification: Likely benign for Bardet-Biedl syndrome. Last evaluated: 2026-01-25. Review status: criteria provided, single submitter. Criteria: Invitae Variant Classification Sherloc (09022015). Collection method: clinical testing. Allele origin: germline.

CeGaT Center for Human Genetics Tuebingen
Classification: Likely benign. Last evaluated: 2025-12-01. Review status: criteria provided, single submitter. Criteria: CeGaT Center For Human Genetics Tuebingen Variant Classification Criteria Version 2. Collection method: clinical testing. Allele origin: germline. Affected: yes. Observed: 1 variant allele.
Comment: BBS12: BP4, BP7

Blueprint Genetics
Classification: Likely benign. Last evaluated: 2022-07-29. Review status: criteria provided, single submitter. Criteria: ACMG Guidelines, 2015. Collection method: clinical testing. Allele origin: germline.

Natera, Inc.
Classification: Uncertain significance for Bardet-Biedl syndrome type 12. Last evaluated: 2020-03-17. Review status: no assertion criteria provided. Collection method: clinical testing. Allele origin: germline. Not counted in ClinVar's aggregate classification.

NM_152618.3(BBS12):c.906C>A (p.Gly302=)

Gene: BBS12 (Bardet-Biedl syndrome 12; plus strand). Cytogenetic location: 4q27.
Variant type: single nucleotide variant.
Coding change: c.906C>A on transcript NM_152618.3 (MANE Select); coding-DNA position 906, C replaced by A.
Protein change: p.Gly302=; no amino-acid change (glycine 302 retained).
Molecular consequence: synonymous variant.
Genome position (GRCh38, 1-based): chr4:122,742,798, C>A. VCF-style: chr4-122742798-C-A. GRCh37 (hg19) VCF-style: chr4-123663953-C-A.
Other names: c.906C>A, p.Gly302= (NM_001178007.2).
Identifiers: ClinVar variation 698764 (VCV000698764.16), dbSNP rs557013132, ClinGen allele CA3069346.